The following is an entry in ClinVar:

NM_000090.4(COL3A1):c.494C>A (p.Ala165Glu)

Gene: COL3A1 (collagen type III alpha 1 chain; plus strand). Cytogenetic location: 2q32.2.
Variant type: single nucleotide variant.
Coding change: c.494C>A on transcript NM_000090.4 (MANE Select); coding-DNA position 494, C replaced by A.
Protein change: p.Ala165Glu; replaces alanine 165 with glutamic acid.
Molecular consequence: missense variant.
Genome position (GRCh38, 1-based): chr2:188,987,105, C>A. VCF-style: chr2-188987105-C-A. GRCh37 (hg19) VCF-style: chr2-189851831-C-A.
Other names: short protein forms A165E.
Identifiers: ClinVar variation 2895359 (VCV002895359.3), dbSNP rs2469111471, ClinGen allele CA349848132.

ClinVar aggregate classification (germline): Uncertain significance (1 of 4 stars; one submission).

Conditions:
Ehlers-Danlos syndrome, type 4 (EDSVASC). Also called: Ehlers-Danlos syndrome vascular type; Ehlers Danlos syndrome, ecchymotic type; Ehlers Danlos syndrome, arterial type; Ehlers Danlos syndrome, Sack-Barabas type; Ehlers-Danlos Syndrome Type IV. Identifiers: Orphanet 286, MedGen C0268338, MONDO:0017314, OMIM 130050.

Submission:

Labcorp Genetics (formerly Invitae), Labcorp
Classification: Uncertain significance for Ehlers-Danlos syndrome, type 4. Last evaluated: 2023-06-19. Review status: criteria provided, single submitter. Criteria: Invitae Variant Classification Sherloc (09022015). Collection method: clinical testing. Allele origin: germline.
Comment: This sequence change replaces alanine, which is neutral and non-polar, with glutamic acid, which is acidic and polar, at codon 165 of the COL3A1 protein (p.Ala165Glu). This variant is not present in population databases (gnomAD no frequency). This variant has not been reported in the literature in individuals affected with COL3A1-related conditions. Advanced modeling of protein sequence and biophysical properties (such as structural, functional, and spatial information, amino acid conservation, physicochemical variation, residue mobility, and thermodynamic stability) performed at Invitae indicates that this missense variant is not expected to disrupt COL3A1 protein function. In summary, the available evidence is currently insufficient to determine the role of this variant in disease. Therefore, it has been classified as a Variant of Uncertain Significance.